The following is an entry in ClinVar:

NM_030962.4(SBF2):c.2581G>T (p.Glu861Ter)

Genes: SBF2 (SET binding factor 2; minus strand), LOC101928008 (uncharacterized LOC101928008; plus strand). Cytogenetic location: 11p15.4.
Variant type: single nucleotide variant.
Coding change: c.2581G>T on transcript NM_030962.4 (MANE Select); coding-DNA position 2581, G replaced by T.
Protein change: p.Glu861Ter; replaces glutamic acid 861 with a stop codon.
Molecular consequence: nonsense.
Genome position (GRCh38, 1-based): chr11:9,852,705, C>A on the plus strand (G>T on the coding strand, the complement: SBF2 is on the minus strand). VCF-style: chr11-9852705-C-A. GRCh37 (hg19) VCF-style: chr11-9874252-C-A.
Other names: c.2581G>T, p.Glu861Ter (NM_001386339.1); c.2452G>T, p.Glu818Ter (NM_001386342.1); c.2617G>T, p.Glu873Ter (NM_001424318.1, NM_001425069.1, NM_001425070.1); short protein forms E818*, E861*, E873*.
Identifiers: ClinVar variation 4732510 (VCV004732510.1).

ClinVar aggregate classification (germline): Pathogenic (1 of 4 stars; one submission).

Conditions:
Charcot-Marie-Tooth disease type 4. Also called: Charcot-Marie-Tooth disease, type IV; Charcot-Marie-Tooth, Type 4. Identifiers: Orphanet 64749, MedGen C4082197, MONDO:0018995.

Submission:

Labcorp Genetics (formerly Invitae), Labcorp
Classification: Pathogenic for Charcot-Marie-Tooth disease type 4. Last evaluated: 2025-12-03. Review status: criteria provided, single submitter. Criteria: Invitae Variant Classification Sherloc (09022015). Collection method: clinical testing. Allele origin: germline.
Comment: This sequence change creates a premature translational stop signal (p.Glu861*) in the SBF2 gene. It is expected to result in an absent or disrupted protein product. Loss-of-function variants in SBF2 are known to be pathogenic (PMID: 12687498, 25873783). This variant is not present in population databases (gnomAD no frequency). This variant has not been reported in the literature in individuals affected with SBF2-related conditions. For these reasons, this variant has been classified as Pathogenic.

Literature cited by the submitters: PubMed 12687498; PubMed 25873783.